The following is an entry in ClinVar:

ClinVar aggregate classification (germline): Conflicting classifications of pathogenicity. Review status: criteria provided, conflicting classifications (1 of 4 stars). 4 submissions from 4 submitters: Uncertain significance (1); Likely benign (3). Last evaluated 2025-12-23.

Conditions:
Kabuki syndrome 1 (KABUK1). Also called: KMT2D-Related Kabuki Syndrome. Identifiers: Orphanet 2322, MedGen CN030661, MONDO:0007843, OMIM 147920.
Choanal atresia-athelia-hypothyroidism-delayed puberty-short stature syndrome (BCAHH). Also called: BRANCHIAL ARCH ABNORMALITIES, CHOANAL ATRESIA, ATHELIA, HEARING LOSS, AND HYPOTHYROIDISM SYNDROME. Identifiers: Orphanet 589856, MedGen C5680310, MONDO:0035651, OMIM 620186.
KMT2D-related disorder. Also called: KMT2D-Related Disorders.
Kabuki syndrome. Also called: Kabuki make-up syndrome; NIIKAWA-KUROKI SYNDROME. Identifiers: Orphanet 2322, MedGen C0796004, MONDO:0016512.

Submissions (4):

Labcorp Genetics (formerly Invitae), Labcorp
Classification: Uncertain significance for Kabuki syndrome. Last evaluated: 2025-12-23. Review status: criteria provided, single submitter. Criteria: Invitae Variant Classification Sherloc (09022015). Collection method: clinical testing. Allele origin: germline.
Comment: This variant, c.12662_12664dup, results in the insertion of 1 amino acid(s) of the KMT2D protein (p.Gln4221dup), but otherwise preserves the integrity of the reading frame. This variant is present in population databases (rs757932721, gnomAD 0.01%). This variant has not been reported in the literature in individuals affected with KMT2D-related conditions. This variant has been observed in at least one individual who was not affected with KMT2D-related conditions (internal data). ClinVar contains an entry for this variant (Variation ID: 1218100). Experimental studies and prediction algorithms are not available or were not evaluated, and the functional significance of this variant is currently unknown. In summary, the available evidence is currently insufficient to determine the role of this variant in disease. Therefore, it has been classified as a Variant of Uncertain Significance.

PreventionGenetics, part of Exact Sciences
Classification: Likely benign for KMT2D-related condition. Last evaluated: 2025-06-30. Review status: criteria provided, single submitter. Criteria: ACMG Guidelines, 2015. Collection method: clinical testing. Allele origin: germline.
Comment: This variant is classified as likely benign based on ACMG/AMP sequence variant interpretation guidelines (Richards et al. 2015 PMID: 25741868, with internal and published modifications).

Fulgent Genetics
Classification: Likely benign for Kabuki syndrome 1; Choanal atresia-athelia-hypothyroidism-delayed puberty-short stature syndrome. Last evaluated: 2024-06-12. Review status: criteria provided, single submitter. Criteria: ACMG Guidelines, 2015. Collection method: clinical testing. Allele origin: germline.

GeneDx
Classification: Likely benign. Last evaluated: 2020-12-08. Review status: criteria provided, single submitter. Criteria: GeneDx Variant Classification Process June 2021. Collection method: clinical testing. Allele origin: germline. Affected: yes.
Comment: In-frame insertion of 1 amino acids in a repetitive region with no known function; Has not been previously published as pathogenic or benign to our knowledge

NM_003482.4(KMT2D):c.12650AGC[6] (p.Gln4221dup)

Gene: KMT2D (lysine methyltransferase 2D; minus strand). Cytogenetic location: 12q13.12.
Variant type: Microsatellite.
Coding change: c.12650AGC[6] on transcript NM_003482.4 (MANE Select); six copies in a row of the 3-base unit AGC starting at c.12650; the reference has five copies in a row; one copy, 3 bases duplicated; also written c.12662_12664dup.
Protein change: p.Gln4221dup; duplicates glutamine 4221.
Molecular consequence: inframe insertion.
Genome position (GRCh38, 1-based): chr12:49,032,041-49,032,043, GCT duplicated on the plus strand (AGC on the coding strand, the reverse complement: KMT2D is on the minus strand); duplicating any 3 consecutive bases within chr12:49,032,041-49,032,056 gives the same sequence; the position shown is the placement nearest the transcript's 3' end. VCF-style (leftmost placement, unchanged base first): chr12-49032040-A-AGCT. GRCh37 (hg19) VCF-style: chr12-49425823-A-AGCT.
Other names: c.12662_12664dup (NM_003482.4); c.12662_12664dupAGC (NM_003482.3).
Identifiers: ClinVar variation 1218100 (VCV001218100.10), dbSNP rs754290613, ClinGen allele CA6546164.
Genomic context (GRCh38, chr12:49,032,040, plus strand): 5'-GGTGGGGTCTGGCGTACTGCCTGACTCTGCTGCAGCTGCCGCTGCATGAGGAGTGCCTGT[A>AGCT]GCTGCTGCTGCTGCTGAGGACTTAAGTGCCGCAGCTGTGGGTTTTTGGCCAGGACTCCTT-3'